The following is an entry in ClinVar:

ClinVar aggregate classification (germline): Uncertain significance (1 of 4 stars; one submission).

Submission:

GeneDx
Classification: Uncertain significance. Last evaluated: 2022-02-02. Review status: criteria provided, single submitter. Criteria: GeneDx Variant Classification Process June 2021. Collection method: clinical testing. Allele origin: germline. Affected: yes.
Comment: Not observed at significant frequency in large population cohorts (gnomAD); In silico analysis supports that this missense variant has a deleterious effect on protein structure/function; Has not been previously published as pathogenic or benign to our knowledge

NM_024665.7(TBL1XR1):c.637C>G (p.His213Asp)

Gene: TBL1XR1 (TBL1X/Y related 1; minus strand). Cytogenetic location: 3q26.32.
Variant type: single nucleotide variant.
Coding change: c.637C>G on transcript NM_024665.7 (MANE Select); coding-DNA position 637, C replaced by G.
Protein change: p.His213Asp; replaces histidine 213 with aspartic acid.
Molecular consequence: missense variant.
Genome position (GRCh38, 1-based): chr3:177,050,062, G>C on the plus strand (C>G on the coding strand, the complement: TBL1XR1 is on the minus strand). VCF-style: chr3-177050062-G-C. GRCh37 (hg19) VCF-style: chr3-176767850-G-C.
Other names: c.637C>G, p.His213Asp (NM_001321193.3, NM_001321194.3, NM_001374327.1 and 2 more transcripts); c.376C>G, p.His126Asp (NM_001321195.3, NM_001374330.1); short protein forms H126D, H213D.
Identifiers: ClinVar variation 1700377 (VCV001700377.2), dbSNP rs2108490750, ClinGen allele CA355552528.
Genomic context (GRCh38, chr3:177,050,062, plus strand): 5'-AATCTAGAGATGTGACATCCTTGTTGCTTGGAACATCTTGCCCTCCTTCTCGTATACAAT[G>C]TCTAAGTACTAACTGTGTAGAGCCACTGGTGCTGTTCTCACTAAGATTCCATATTCTTGC-3'
Protein context (NP_078941.2, residues 203-223): TSGSTQLVLR[His213Asp]CIREGGQDVP